The following is an entry in ClinVar:

ClinVar aggregate classification (germline): Benign. Review status: criteria provided, multiple submitters, no conflicts (2 of 4 stars). 2 submissions from 2 submitters: Benign (2). Last evaluated 2018-06-18.

Submissions (2):

GeneDx
Classification: Benign. Last evaluated: 2018-06-18. Review status: criteria provided, single submitter. Criteria: GeneDx Variant Classification (06012015). Collection method: clinical testing. Allele origin: germline. Affected: yes.
Comment: This variant is considered likely benign or benign based on one or more of the following criteria: it is a conservative change, it occurs at a poorly conserved position in the protein, it is predicted to be benign by multiple in silico algorithms, and/or has population frequency not consistent with disease.

Breakthrough Genomics
Classification: Benign. Review status: criteria provided, single submitter. Criteria: ACMG Guidelines, 2015. Collection method: not provided. Allele origin: germline. Inheritance: Autosomal dominant inheritance. Affected: yes.

NM_017617.5(NOTCH1):c.2467+34C>G

Gene: NOTCH1 (notch receptor 1; minus strand). Cytogenetic location: 9q34.3.
Variant type: single nucleotide variant.
Coding change: c.2467+34C>G on transcript NM_017617.5 (MANE Select); 34 bases into the intron after coding-DNA position 2467, C replaced by G.
Molecular consequence: intron variant.
Genome position (GRCh38, 1-based): chr9:136,512,987, G>C on the plus strand (C>G on the coding strand, the complement: NOTCH1 is on the minus strand). VCF-style: chr9-136512987-G-C. GRCh37 (hg19) VCF-style: chr9-139407439-G-C.
Identifiers: ClinVar variation 669679 (VCV000669679.2), dbSNP rs375643075, ClinGen allele CA5341326.
Genomic context (GRCh38, chr9:136,512,987, plus strand): 5'-CCTCTCCAGCACAGGCTCCGCCCTCTCCAGCACAGGTCCCGCCCCTCCCACATAGGCCCC[G>C]CCCCCTCCAGCACAGGCCCCACCCACCCCTCACCTGTGTAGGGCAGCAGGCAGTTGCACT-3'